The following is an entry in ClinVar:

NM_005751.5(AKAP9):c.3052T>C (p.Ser1018Pro)

Gene: AKAP9 (A-kinase anchoring protein 9; plus strand). Cytogenetic location: 7q21.2.
Variant type: single nucleotide variant.
Coding change: c.3052T>C on transcript NM_005751.5 (MANE Select); coding-DNA position 3052, T replaced by C.
Protein change: p.Ser1018Pro; replaces serine 1018 with proline.
Molecular consequence: missense variant.
Genome position (GRCh38, 1-based): chr7:92,002,969, T>C. VCF-style: chr7-92002969-T-C. GRCh37 (hg19) VCF-style: chr7-91632283-T-C.
Other names: c.3052T>C, p.Ser1018Pro (NM_147185.3); short protein forms S1018P.
Identifiers: ClinVar variation 3712635 (VCV003712635.3).

ClinVar aggregate classification (germline): Uncertain significance. Review status: criteria provided, multiple submitters, no conflicts (2 of 4 stars). 2 submissions from 2 submitters: Uncertain significance (2). Last evaluated 2025-12-10.

Conditions:
Long QT syndrome (LQTS). Identifiers: MedGen C0023976, MeSH D008133, MONDO:0002442. Disease mechanism: loss of function. Inheritance: Various modes of inheritance.
Cardiovascular phenotype. Identifiers: MedGen CN230736.

gnomAD v4.1: 9 of 1,613,304 alleles (0.00056%); highest among the groups gnomAD compares: Non-Finnish European, 0.00068%; no homozygotes.

Submissions (2):

Ambry Genetics
Classification: Uncertain significance for Cardiovascular phenotype. Last evaluated: 2025-12-10. Review status: criteria provided, single submitter. Criteria: Ambry Variant Classification Scheme 2023. Collection method: clinical testing. Allele origin: germline.
Comment: The p.S1018P variant (also known as c.3052T>C), located in coding exon 8 of the AKAP9 gene, results from a T to C substitution at nucleotide position 3052. The serine at codon 1018 is replaced by proline, an amino acid with similar properties. This amino acid position is conserved. In addition, this alteration is predicted to be tolerated by in silico analysis. Based on the available evidence, the clinical significance of this variant remains unclear.

Labcorp Genetics (formerly Invitae), Labcorp
Classification: Uncertain significance for Long QT syndrome. Last evaluated: 2024-07-03. Review status: criteria provided, single submitter. Criteria: Invitae Variant Classification Sherloc (09022015). Collection method: clinical testing. Allele origin: germline.
Comment: This sequence change replaces serine, which is neutral and polar, with proline, which is neutral and non-polar, at codon 1018 of the AKAP9 protein (p.Ser1018Pro). This variant is not present in population databases (gnomAD no frequency). This variant has not been reported in the literature in individuals affected with AKAP9-related conditions. Algorithms developed to predict the effect of missense changes on protein structure and function output the following: SIFT: "Not Available"; PolyPhen-2: "Benign"; Align-GVGD: "Not Available". The proline amino acid residue is found in multiple mammalian species, which suggests that this missense change does not adversely affect protein function. In summary, the available evidence is currently insufficient to determine the role of this variant in disease. Therefore, it has been classified as a Variant of Uncertain Significance.